The following is an entry in ClinVar:

NM_001126108.2(SLC12A3):c.2584C>T (p.Arg862Cys)

Gene: SLC12A3 (solute carrier family 12 member 3; plus strand). Cytogenetic location: 16q13.
Variant type: single nucleotide variant.
Coding change: c.2584C>T on transcript NM_001126108.2 (MANE Select); coding-DNA position 2584, C replaced by T.
Protein change: p.Arg862Cys; replaces arginine 862 with cysteine.
Molecular consequence: missense variant.
Genome position (GRCh38, 1-based): chr16:56,894,593, C>T. VCF-style: chr16-56894593-C-T. GRCh37 (hg19) VCF-style: chr16-56928505-C-T.
Other names: c.2611C>T, p.Arg871Cys (NM_000339.3); c.2608C>T, p.Arg870Cys (NM_001126107.2); c.2581C>T, p.Arg861Cys (NM_001410896.1); short protein forms R861C, R862C, R870C, R871C.
Identifiers: ClinVar variation 4818207 (VCV004818207.1).

ClinVar aggregate classification (germline): Likely pathogenic (1 of 4 stars; one submission).

Conditions:
Familial hypokalemia-hypomagnesemia (GTLMNS). Also called: POTASSIUM AND MAGNESIUM DEPLETION; HYPOMAGNESEMIA-HYPOKALEMIA, PRIMARY RENOTUBULAR, WITH HYPOCALCIURIA; gitelman syndrome. Identifiers: Orphanet 358, MedGen C0268450, MONDO:0009904, OMIM 263800.

gnomAD v4.1: 15 of 1,614,098 alleles (0.00093%); highest among the groups gnomAD compares: Non-Finnish European, 0.0013%; no homozygotes.

Submission:

Natera, Inc.
Classification: Likely pathogenic for Gitelman syndrome. Last evaluated: 2025-07-25. Review status: criteria provided, single submitter. Criteria: Natera Variant Classification Schema (03/2026). Collection method: clinical testing. Allele origin: germline.
Comment: The c.2611C>T variant in SLC12A3 is a missense variant predicted to cause substitution of arginine to cysteine at amino acid 871. This variant is rare in the general population with a frequency below the threshold expected for the associated phenotype(s). This variant has been observed in one or more individuals affected with the associated recessive disease, as either homozygous or compound heterozygous with a second variant (PMID: 22009145). A different variant at the same position has been determined to be Pathogenic or Likely Pathogenic. Computational prediction algorithms indicate this variant is likely to affect gene or protein function. Given the available evidence, this variant is classified as Likely Pathogenic.

Literature cited by the submitters: PubMed 22009145.